The following is an entry in ClinVar:

NM_001429.4(EP300):c.4618-11C>T

Gene: EP300 (E1A binding protein p300; plus strand). Cytogenetic location: 22q13.2.
Variant type: single nucleotide variant.
Coding change: c.4618-11C>T on transcript NM_001429.4 (MANE Select); 11 bases into the intron before coding-DNA position 4618, C replaced by T.
Molecular consequence: intron variant.
Genome position (GRCh38, 1-based): chr22:41,173,612, C>T. VCF-style: chr22-41173612-C-T. GRCh37 (hg19) VCF-style: chr22-41569616-C-T.
Other names: c.4540-11C>T (NM_001362843.2).
Identifiers: ClinVar variation 669125 (VCV000669125.1), dbSNP rs1601636833, ClinGen allele CA915951387.

ClinVar aggregate classification (germline): Likely benign (1 of 4 stars; one submission).

gnomAD v4.1: 1 of 1,613,938 alleles (0.000062%); highest among the groups gnomAD compares: Non-Finnish European, 0.000085%; no homozygotes.

Submission:

GeneDx
Classification: Likely benign. Last evaluated: 2018-06-12. Review status: criteria provided, single submitter. Criteria: GeneDx Variant Classification (06012015). Collection method: clinical testing. Allele origin: germline. Affected: yes.
Comment: This variant is considered likely benign or benign based on one or more of the following criteria: it is a conservative change, it occurs at a poorly conserved position in the protein, it is predicted to be benign by multiple in silico algorithms, and/or has population frequency not consistent with disease.